The following is an entry in ClinVar:

NM_000498.3(CYP11B2):c.1009C>T (p.Gln337Ter)

Genes: CYP11B2 (cytochrome P450 family 11 subfamily B member 2; minus strand), LOC106799834 (CYP11B2 recombination region; plus strand). Cytogenetic location: 8q24.3.
Variant type: single nucleotide variant.
Coding change: c.1009C>T on transcript NM_000498.3 (MANE Select); coding-DNA position 1009, C replaced by T.
Protein change: p.Gln337Ter; replaces glutamine 337 with a stop codon.
Molecular consequence: nonsense.
Genome position (GRCh38, 1-based): chr8:142,913,397, G>A on the plus strand (C>T on the coding strand, the complement: CYP11B2 is on the minus strand). VCF-style: chr8-142913397-G-A. GRCh37 (hg19) VCF-style: chr8-143994813-G-A.
Other names: short protein forms Q337*.
Identifiers: ClinVar variation 649276 (VCV000649276.9), dbSNP rs759384300, ClinGen allele CA4905970.

ClinVar aggregate classification (germline): Pathogenic. Review status: criteria provided, multiple submitters, no conflicts (2 of 4 stars). 2 submissions from 2 submitters: Pathogenic (2). Last evaluated 2025-09-16.

Conditions:
Corticosterone methyl oxidase type II deficiency.

Allele frequency attached by ClinVar (database versions not stated): gnomAD exomes below 0.00001 and 0.00001; TOPMed below 0.00001; ExAC 0.00002.
gnomAD v4.1: 1 of 1,614,002 alleles (0.000062%); highest among the groups gnomAD compares: East Asian, 0.0022%; no homozygotes.

Submissions (2):

Natera, Inc.
Classification: Pathogenic for Corticosterone methyl oxidase type II deficiency. Last evaluated: 2025-09-16. Review status: criteria provided, single submitter. Criteria: Natera Variant Classification Schema (03/2026). Collection method: clinical testing. Allele origin: germline.
Comment: The c.1009C>T variant in CYP11B2 is a nonsense variant predicted to introduce a stop codon at amino acid 337. This variant is expected to result in nonsense mediated decay, truncation, or a dysfunctional protein product. This variant is rare in the general population with a frequency below the threshold expected for the associated phenotype(s). This variant has been observed in one or more individuals affected with the associated recessive disease, as either homozygous or compound heterozygous with a second variant (PMID: 26936515). Given the available evidence, this variant is classified as Pathogenic.

Labcorp Genetics (formerly Invitae), Labcorp
Classification: Pathogenic. Last evaluated: 2023-11-17. Review status: criteria provided, single submitter. Criteria: Invitae Variant Classification Sherloc (09022015). Collection method: clinical testing. Allele origin: germline.
Comment: This sequence change creates a premature translational stop signal (p.Gln337*) in the CYP11B2 gene. It is expected to result in an absent or disrupted protein product. Loss-of-function variants in CYP11B2 are known to be pathogenic (PMID: 20494601, 22801770, 26936515). This variant is present in population databases (rs759384300, gnomAD 0.02%). This premature translational stop signal has been observed in individual(s) with aldosterone synthase deficiency (PMID: 26936515). In at least one individual the data is consistent with being in trans (on the opposite chromosome) from a pathogenic variant. ClinVar contains an entry for this variant (Variation ID: 649276). For these reasons, this variant has been classified as Pathogenic.

Literature cited by the submitters: PubMed 26936515 (cited by Natera, Inc. and Labcorp Genetics (formerly Invitae), Labcorp); PubMed 20494601 (cited by Labcorp Genetics (formerly Invitae), Labcorp); PubMed 22801770 (cited by Labcorp Genetics (formerly Invitae), Labcorp).